The following is an entry in ClinVar:

ClinVar aggregate classification (germline): Uncertain significance. Review status: criteria provided, multiple submitters, no conflicts (2 of 4 stars). 4 submissions from 4 submitters: Uncertain significance (4). Last evaluated 2023-12-07.

Conditions:
Angioedema, hereditary, 4. Identifiers: MedGen C5543503, MONDO:0025712, OMIM 619360.
Plasminogen deficiency, type I. Also called: Hypoplasminogenemia; Type 1 plasminogen deficiency. Identifiers: Orphanet 722, MedGen C1968804, MONDO:0009009, OMIM 217090.
Inborn genetic diseases. Identifiers: MedGen C0950123, MeSH D030342.

Allele frequency attached by ClinVar (database versions not stated): gnomAD 0.00002; gnomAD exomes 0.00002 and 0.00004; TOPMed 0.00002; ExAC 0.00003.
gnomAD v4.1: 69 of 1,609,750 alleles (0.0043%); highest among the groups gnomAD compares: Non-Finnish European, 0.0048%; no homozygotes.

Submissions (4):

Labcorp Genetics (formerly Invitae), Labcorp
Classification: Uncertain significance. Last evaluated: 2023-12-07. Review status: criteria provided, single submitter. Criteria: Invitae Variant Classification Sherloc (09022015). Collection method: clinical testing. Allele origin: germline.
Comment: This sequence change replaces valine, which is neutral and non-polar, with alanine, which is neutral and non-polar, at codon 6 of the PLG protein (p.Val6Ala). This variant is present in population databases (rs764121149, gnomAD 0.005%). This variant has not been reported in the literature in individuals affected with PLG-related conditions. ClinVar contains an entry for this variant (Variation ID: 1693937). Advanced modeling of protein sequence and biophysical properties (such as structural, functional, and spatial information, amino acid conservation, physicochemical variation, residue mobility, and thermodynamic stability) performed at Invitae indicates that this missense variant is not expected to disrupt PLG protein function with a negative predictive value of 95%. In summary, the available evidence is currently insufficient to determine the role of this variant in disease. Therefore, it has been classified as a Variant of Uncertain Significance.

Fulgent Genetics
Classification: Uncertain significance for Plasminogen deficiency, type I; Angioedema, hereditary, 4. Last evaluated: 2021-08-23. Review status: criteria provided, single submitter. Criteria: ACMG Guidelines, 2015. Collection method: clinical testing. Allele origin: unknown.

Ambry Genetics
Classification: Uncertain significance for Inborn genetic diseases. Last evaluated: 2021-08-09. Review status: criteria provided, single submitter. Criteria: Ambry Variant Classification Scheme 2023. Collection method: clinical testing. Allele origin: germline.

Mayo Clinic Laboratories, Mayo Clinic
Classification: Uncertain significance. Last evaluated: 2021-06-30. Review status: criteria provided, single submitter. Criteria: ACMG Guidelines, 2015. Collection method: clinical testing. Allele origin: germline.

NM_000301.5(PLG):c.17T>C (p.Val6Ala)

Gene: PLG (plasminogen; plus strand). Cytogenetic location: 6q26.
Variant type: single nucleotide variant.
Coding change: c.17T>C on transcript NM_000301.5 (MANE Select); coding-DNA position 17, T replaced by C.
Protein change: p.Val6Ala; replaces valine 6 with alanine.
Molecular consequence: missense variant.
Genome position (GRCh38, 1-based): chr6:160,702,321, T>C. VCF-style: chr6-160702321-T-C. GRCh37 (hg19) VCF-style: chr6-161123353-T-C.
Other names: p.Val6Ala; c.17T>C, p.Val6Ala (NM_001168338.1); short protein forms V6A.
Identifiers: ClinVar variation 1693937 (VCV001693937.11), dbSNP rs764121149, ClinGen allele CA4087257.
Genomic context (GRCh38, chr6:160,702,321, plus strand): 5'-TGGGATTGGGACCCACTTTCTGGGCACTGCTGGCCAGTCCCAAAATGGAACATAAGGAAG[T>C]GGTTCTTCTACTTCTTTTATTTCTGAAATCAGGTAAGACATAGTTTTTTTAAATTATAAG-3'
Protein context (NP_000292.1, residues 1-16): MEHKE[Val6Ala]VLLLLLFLKS